The following is an entry in ClinVar:

ClinVar aggregate classification (germline): Benign. Review status: criteria provided, multiple submitters, no conflicts (2 of 4 stars). 18 submissions from 15 submitters: Benign (12). 6 of the submissions do not count toward it. Last evaluated 2026-02-04.

Conditions:
ALS2-related disorder. Also called: ALS2-Related Spectrum Disorders; ALS2-related disorders; ALS2-related condition. Identifiers: MedGen CN169291.
Juvenile primary lateral sclerosis (PLSJ). Also called: Juvenile Primary Lateral Sclerosis (JPLS). Identifiers: Orphanet 247604, MedGen C1853396, MONDO:0011663, OMIM 606353.
Infantile-onset ascending hereditary spastic paralysis (IAHSP). Also called: Autosomal Recessive Juvenile Amyotrophic Lateral Sclerosis; Infantile-Onset Ascending Hereditary Spastic Paralysis (IAHSP). Identifiers: Orphanet 293168, MedGen C2931441, MONDO:0011797, OMIM 607225. Disease mechanism: loss of function.
Amyotrophic lateral sclerosis type 2, juvenile. Also called: ALS, JUVENILE; Amyotrophic lateral sclerosis type 2. Identifiers: Orphanet 300605, MedGen C1859807, MONDO:0008780, OMIM 205100.

Allele frequency attached by ClinVar (database versions not stated): 1000 Genomes Project 0.37240; 1000 Genomes Project 30x 0.37242; TOPMed 0.46021; gnomAD 0.46627 and 0.46629; ESP Exome Variant Server 0.46800; ExAC 0.52717; gnomAD exomes 0.53911 and 0.58386.
gnomAD v4.1: 921,711 of 1,612,934 alleles (57%); highest among the groups gnomAD compares: Admixed American, 64%; 274,463 homozygotes.

Submissions (18):

Labcorp Genetics (formerly Invitae), Labcorp
Classification: Benign for Infantile-onset ascending hereditary spastic paralysis. Last evaluated: 2026-02-04. Review status: criteria provided, single submitter. Criteria: Invitae Variant Classification Sherloc (09022015). Collection method: clinical testing. Allele origin: germline.

Blueprint Genetics
Classification: Benign. Last evaluated: 2024-11-26. Review status: criteria provided, single submitter. Criteria: ACMG Guidelines, 2015. Collection method: clinical testing. Allele origin: germline.

Genome-Nilou Lab
Classification: Benign for Juvenile primary lateral sclerosis. Last evaluated: 2021-07-14. Review status: criteria provided, single submitter. Criteria: ACMG Guidelines, 2015. Collection method: clinical testing. Allele origin: germline. Affected: no.

Genome-Nilou Lab
Classification: Benign for Infantile-onset ascending hereditary spastic paralysis. Last evaluated: 2021-07-14. Review status: criteria provided, single submitter. Criteria: ACMG Guidelines, 2015. Collection method: clinical testing. Allele origin: germline. Affected: no.

Genome-Nilou Lab
Classification: Benign for Amyotrophic lateral sclerosis type 2, juvenile. Last evaluated: 2021-07-14. Review status: criteria provided, single submitter. Criteria: ACMG Guidelines, 2015. Collection method: clinical testing. Allele origin: germline. Affected: no.

GeneDx
Classification: Benign. Last evaluated: 2018-07-03. Review status: criteria provided, single submitter. Criteria: GeneDx Variant Classification Process June 2021. Collection method: clinical testing. Allele origin: germline. Affected: yes.

Illumina Laboratory Services, Illumina
Classification: Benign for Amyotrophic lateral sclerosis type 2. Last evaluated: 2018-01-12. Review status: criteria provided, single submitter. Criteria: ICSL Variant Classification Criteria 13 December 2019. Collection method: clinical testing. Allele origin: germline.
Comment: This variant was observed in the ICSL laboratory as part of a predisposition screen in an ostensibly healthy population. It had not been previously curated by ICSL or reported in the Human Gene Mutation Database (HGMD: prior to June 1st, 2018), and was therefore a candidate for classification through an automated scoring system. Utilizing variant allele frequency, disease prevalence and penetrance estimates, and inheritance mode, an automated score was calculated to assess if this variant is too frequent to cause the disease. Based on the score and internal cut-off values, a variant classified as benign is not then subjected to further curation. The score for this variant resulted in a classification of benign for this disease.

Illumina Laboratory Services, Illumina
Classification: Benign for ALS2-Related Disorders. Last evaluated: 2018-01-12. Review status: criteria provided, single submitter. Criteria: ICSL Variant Classification Criteria 13 December 2019. Collection method: clinical testing. Allele origin: germline.
Comment: the same text as in the submission from Illumina Laboratory Services, Illumina above.

Athena Diagnostics
Classification: Benign. Last evaluated: 2017-11-17. Review status: criteria provided, single submitter. Criteria: Athena Diagnostics Criteria. Collection method: clinical testing. Allele origin: germline.

Mayo Clinic Laboratories, Mayo Clinic
Classification: Benign. Last evaluated: 2017-07-20. Review status: criteria provided, single submitter. Criteria: ACMG Guidelines, 2015. Collection method: clinical testing. Allele origin: germline. Observed: 1,015 variant alleles.

Breakthrough Genomics
Classification: Benign. Review status: criteria provided, single submitter. Criteria: ACMG Guidelines, 2015. Collection method: not provided. Allele origin: germline. Inheritance: Autosomal recessive inheritance. Affected: yes.

PreventionGenetics, part of Exact Sciences
Classification: Benign. Review status: criteria provided, single submitter. Criteria: ACMG Guidelines, 2015. Collection method: clinical testing. Allele origin: germline.

Clinical Genetics DNA and cytogenetics Diagnostics Lab, Erasmus MC, Erasmus Medical Center
Classification: Benign. Review status: no assertion criteria provided. Collection method: clinical testing. Allele origin: germline. Affected: yes. Study: VKGL Data-share Consensus. Not counted in ClinVar's aggregate classification.

Clinical Genetics, Academic Medical Center
Classification: Benign. Review status: no assertion criteria provided. Collection method: clinical testing. Allele origin: germline. Affected: yes. Study: VKGL Data-share Consensus. Not counted in ClinVar's aggregate classification.

Diagnostic Laboratory, Department of Genetics, University Medical Center Groningen
Classification: Benign. Review status: no assertion criteria provided. Collection method: clinical testing. Allele origin: germline. Affected: yes. Study: VKGL Data-share Consensus. Not counted in ClinVar's aggregate classification.

Genome Diagnostics Laboratory, Amsterdam University Medical Center
Classification: Benign. Review status: no assertion criteria provided. Collection method: clinical testing. Allele origin: germline. Affected: yes. Study: VKGL Data-share Consensus. Not counted in ClinVar's aggregate classification.

Genome Diagnostics Laboratory, University Medical Center Utrecht
Classification: Benign. Review status: no assertion criteria provided. Collection method: clinical testing. Allele origin: germline. Affected: yes. Study: VKGL Data-share Consensus. Not counted in ClinVar's aggregate classification.

Joint Genome Diagnostic Labs from Nijmegen and Maastricht, Radboudumc and MUMC+
Classification: Benign. Review status: no assertion criteria provided. Collection method: clinical testing. Allele origin: germline. Affected: yes. Study: VKGL Data-share Consensus. Not counted in ClinVar's aggregate classification.

NM_020919.4(ALS2):c.2466G>A (p.Val822=)

Gene: ALS2 (alsin Rho guanine nucleotide exchange factor ALS2; minus strand). Cytogenetic location: 2q33.1.
Variant type: single nucleotide variant.
Coding change: c.2466G>A on transcript NM_020919.4 (MANE Select); coding-DNA position 2466, G replaced by A.
Protein change: p.Val822=; no amino-acid change (valine 822 retained).
Molecular consequence: synonymous variant.
Genome position (GRCh38, 1-based): chr2:201,733,390, C>T on the plus strand (G>A on the coding strand, the complement: ALS2 is on the minus strand). VCF-style: chr2-201733390-C-T. GRCh37 (hg19) VCF-style: chr2-202598113-C-T.
Other names: p.Val822=.
Identifiers: ClinVar variation 261368 (VCV000261368.31), dbSNP rs2276615, ClinGen allele CA2058174.